The following is an entry in ClinVar:

ClinVar aggregate classification (germline): Uncertain significance (1 of 4 stars; one submission).

Submission:

Labcorp Genetics (formerly Invitae), Labcorp
Classification: Uncertain significance. Last evaluated: 2022-12-28. Review status: criteria provided, single submitter. Criteria: Invitae Variant Classification Sherloc (09022015). Collection method: clinical testing. Allele origin: germline.
Comment: In summary, the available evidence is currently insufficient to determine the role of this variant in disease. Therefore, it has been classified as a Variant of Uncertain Significance. This variant has not been reported in the literature in individuals affected with POLD2-related conditions. This variant is not present in population databases (gnomAD no frequency). This sequence change results in a frameshift in the POLD2 gene (p.Leu500Profs*30). While this is not anticipated to result in nonsense mediated decay, it is expected to disrupt the last 5 amino acid(s) of the POLD2 protein and extend the protein by 24 additional amino acid residues.

NM_006230.4(POLD2):c.1393dup (p.Leu465fs)

Gene: POLD2 (DNA polymerase delta 2, accessory subunit; minus strand). Cytogenetic location: 7p13.
Variant type: Duplication.
Coding change: c.1393dup on transcript NM_006230.4 (MANE Select); coding-DNA position 1393, one base duplicated (C; older notation c.1393dupC).
Protein change: p.Leu465fs; shifts the reading frame from leucine 465.
Molecular consequence: frameshift variant.
Genome position (GRCh38, 1-based): chr7:44,114,802, G duplicated on the plus strand (C on the coding strand, the reverse complement: POLD2 is on the minus strand); the first of 2 consecutive G bases (chr7:44,114,802-44,114,803); duplicating either gives the same sequence. VCF-style (leftmost placement, unchanged base first): chr7-44114801-A-AG. GRCh37 (hg19) VCF-style: chr7-44154400-A-AG.
Other names: c.1393dup, p.Leu465fs (NM_001127218.3, NM_001256879.2); short protein forms L465fs.
Identifiers: ClinVar variation 2822533 (VCV002822533.3), dbSNP rs2484371348, ClinGen allele CA2739266410.